The following is an entry in ClinVar:

NM_201384.3(PLEC):c.8329T>C (p.Tyr2777His)

Gene: PLEC (plectin; minus strand). Cytogenetic location: 8q24.3.
Variant type: single nucleotide variant.
Coding change: c.8329T>C on transcript NM_201384.3 (MANE Select); coding-DNA position 8329, T replaced by C.
Protein change: p.Tyr2777His; replaces tyrosine 2777 with histidine.
Molecular consequence: missense variant.
Genome position (GRCh38, 1-based): chr8:143,921,492, A>G on the plus strand (T>C on the coding strand, the complement: PLEC is on the minus strand). VCF-style: chr8-143921492-A-G. GRCh37 (hg19) VCF-style: chr8-144995660-A-G.
Other names: c.8410T>C, p.Tyr2804His (NM_000445.5); c.8287T>C, p.Tyr2763His (NM_201378.4); c.8263T>C, p.Tyr2755His (NM_201379.3); c.8740T>C, p.Tyr2914His (NM_201380.4); c.8233T>C, p.Tyr2745His (NM_201381.3); c.8329T>C, p.Tyr2777His (NM_201382.4); c.8341T>C, p.Tyr2781His (NM_201383.3); short protein forms Y2745H, Y2763H, Y2804H, Y2777H, Y2781H, Y2755H, Y2914H.
Identifiers: ClinVar variation 471659 (VCV000471659.5), dbSNP rs1554685965, ClinGen allele CA372516386.
Genomic context (GRCh38, chr8:143,921,492, plus strand): 5'-TGAGGCCCTTCTGCATGGCTTGGAAGAGAGAGATCTGCTGGCCAGTGTAGGGGTCCTTGT[A>G]GCCAGTGACGGCGCGCTCGGCCGACAGCAGCTTGTGGTGCAGCTCGGGGCCCACCACACC-3'
Protein context (NP_958786.1, residues 2767-2787): LLSAERAVTG[Tyr2777His]KDPYTGQQIS

ClinVar aggregate classification (germline): Uncertain significance (1 of 4 stars; one submission).

Conditions:
Epidermolysis bullosa simplex with nail dystrophy (EBS5D). Identifiers: MedGen C4225309, MONDO:0014661, OMIM 616487.
Epidermolysis bullosa simplex, Ogna type (EBS5A). Also called: Pidermolysis bullosa simplex 5A, Ogna type; EPIDERMOLYSIS BULLOSA SIMPLEX 5A, OGNA TYPE. Identifiers: Orphanet 79401, MedGen C0432317, MONDO:0007555, OMIM 131950.
Autosomal recessive limb-girdle muscular dystrophy type 2Q (LGMDR17). Also called: MUSCULAR DYSTROPHY, LIMB-GIRDLE, AUTOSOMAL RECESSIVE 17. Identifiers: Orphanet 254361, MedGen C3150989, MONDO:0013390, OMIM 613723.
Epidermolysis bullosa simplex 5C, with pyloric atresia (EBS5C). Also called: PLEC-Related Epidermolysis Bullosa with Pyloric Atresia; Epidermolysis bullosa simplex with pyloric atresia; PLEC1-Related Epidermolysis Bullosa with Pyloric Atresia. Identifiers: Orphanet 158684, MedGen C2677349, MONDO:0012807, OMIM 612138.
Epidermolysis bullosa simplex 5B, with muscular dystrophy (EBS5B). Also called: EPIDERMOLYSIS BULLOSA SIMPLEX AND LIMB-GIRDLE MUSCULAR DYSTROPHY; Epidermolysis bullosa simplex with muscular dystrophy. Identifiers: Orphanet 257, MedGen C2931072, MONDO:0009181, OMIM 226670.

Submission:

Labcorp Genetics (formerly Invitae), Labcorp
Classification: Uncertain significance for Autosomal recessive limb-girdle muscular dystrophy type 2Q; Epidermolysis bullosa simplex, Ogna type; Epidermolysis bullosa simplex with nail dystrophy; Epidermolysis bullosa simplex 5C, with pyloric atresia; Epidermolysis bullosa simplex 5B, with muscular dystrophy. Last evaluated: 2016-09-09. Review status: criteria provided, single submitter. Criteria: Invitae Variant Classification Sherloc (09022015). Collection method: clinical testing. Allele origin: germline.
Comment: This sequence change replaces tyrosine with histidine at codon 2804 of the PLEC protein (p.Tyr2804His). The tyrosine residue is moderately conserved and there is a moderate physicochemical difference between tyrosine and histidine. This variant is not present in population databases (ExAC no frequency) and has not been reported in the literature in individuals with a PLEC-related disease. In summary, this variant is a novel missense change with uncertain impact on protein function. It has been classified as a Variant of Uncertain Significance. Algorithms developed to predict the effect of missense changes on protein structure and function (SIFT, PolyPhen-2, Align-GVGD) all suggest that this variant is likely to be disruptive, but these predictions have not been confirmed by published functional studies.